The following is an entry in ClinVar:

ClinVar aggregate classification (germline): Likely benign (1 of 4 stars; one submission).

Submission:

CeGaT Center for Human Genetics Tuebingen
Classification: Likely benign. Last evaluated: 2026-05-01. Review status: criteria provided, single submitter. Criteria: CeGaT Center For Human Genetics Tuebingen Variant Classification Criteria Version 2. Collection method: clinical testing. Allele origin: germline. Affected: yes. Observed: 1 variant allele.
Comment: RHOBTB2: BP4, BP7

NM_015178.3(RHOBTB2):c.744T>C (p.Pro248=)

Gene: RHOBTB2 (Rho related BTB domain containing 2; plus strand). Cytogenetic location: 8p21.3.
Variant type: single nucleotide variant.
Coding change: c.744T>C on transcript NM_015178.3 (MANE Select); coding-DNA position 744, T replaced by C.
Protein change: p.Pro248=; no amino-acid change (proline 248 retained).
Molecular consequence: synonymous variant.
Genome position (GRCh38, 1-based): chr8:23,006,989, T>C. VCF-style: chr8-23006989-T-C. GRCh37 (hg19) VCF-style: chr8-22864502-T-C.
Other names: c.810T>C, p.Pro270= (NM_001160036.2); c.765T>C, p.Pro255= (NM_001160037.2); c.744T>C, p.Pro248= (NM_001374791.1).
Identifiers: ClinVar variation 4873498 (VCV004873498.2).